The following is an entry in ClinVar:

NM_000260.4(MYO7A):c.783T>A (p.Gly261=)

Gene: MYO7A (myosin VIIA; plus strand). Cytogenetic location: 11q13.5.
Variant type: single nucleotide variant.
Coding change: c.783T>A on transcript NM_000260.4 (MANE Select); coding-DNA position 783, T replaced by A.
Protein change: p.Gly261=; no amino-acid change (glycine 261 retained).
Molecular consequence: synonymous variant.
Genome position (GRCh38, 1-based): chr11:77,157,326, T>A. VCF-style: chr11-77157326-T-A. GRCh37 (hg19) VCF-style: chr11-76868372-T-A.
Other names: c.783T>A, p.Gly261= (NM_001127180.2); c.750T>A, p.Gly250= (NM_001369365.1); c.783T>A (NM_000260.3).
Identifiers: ClinVar variation 1139024 (VCV001139024.38), dbSNP rs762667, ClinGen allele CA6197250.

ClinVar aggregate classification (germline): Likely benign. Review status: criteria provided, multiple submitters, no conflicts (2 of 4 stars). 4 submissions from 4 submitters: Likely benign (4). Last evaluated 2026-07-01.

Conditions:
MYO7A-related disorder. Also called: MYO7A-related disorders.

gnomAD v4.1: 77 of 1,611,070 alleles (0.0048%); highest among the groups gnomAD compares: Non-Finnish European, 0.0061%; no homozygotes.

Submissions (4):

CeGaT Center for Human Genetics Tuebingen
Classification: Likely benign. Last evaluated: 2026-07-01. Review status: criteria provided, single submitter. Criteria: CeGaT Center For Human Genetics Tuebingen Variant Classification Criteria Version 2. Collection method: clinical testing. Allele origin: germline. Affected: yes. Observed: 2 variant alleles.
Comment: MYO7A: BP4, BP7

Labcorp Genetics (formerly Invitae), Labcorp
Classification: Likely benign. Last evaluated: 2025-03-20. Review status: criteria provided, single submitter. Criteria: Invitae Variant Classification Sherloc (09022015). Collection method: clinical testing. Allele origin: germline.

PreventionGenetics, part of Exact Sciences
Classification: Likely benign for MYO7A-related condition. Last evaluated: 2024-11-13. Review status: criteria provided, single submitter. Criteria: ACMG Guidelines, 2015. Collection method: clinical testing. Allele origin: germline.
Comment: This variant is classified as likely benign based on ACMG/AMP sequence variant interpretation guidelines (Richards et al. 2015 PMID: 25741868, with internal and published modifications).

Blueprint Genetics
Classification: Likely benign. Last evaluated: 2024-07-11. Review status: criteria provided, single submitter. Criteria: ACMG Guidelines, 2015. Collection method: clinical testing. Allele origin: germline.